The following is an entry in ClinVar:

NM_033272.4(KCNH7):c.738A>T (p.Arg246=)

Gene: KCNH7 (potassium voltage-gated channel subfamily H member 7; minus strand). Cytogenetic location: 2q24.2.
Variant type: single nucleotide variant.
Coding change: c.738A>T on transcript NM_033272.4 (MANE Select); coding-DNA position 738, A replaced by T.
Protein change: p.Arg246=; no amino-acid change (arginine 246 retained).
Molecular consequence: synonymous variant.
Genome position (GRCh38, 1-based): chr2:162,517,884, T>A on the plus strand (A>T on the coding strand, the complement: KCNH7 is on the minus strand). VCF-style: chr2-162517884-T-A. GRCh37 (hg19) VCF-style: chr2-163374394-T-A.
Other names: c.738A>T, p.Arg246= (NM_173162.3).
Identifiers: ClinVar variation 3033469 (VCV003033469.2), dbSNP rs780739285, ClinGen allele CA1935855.

ClinVar aggregate classification (germline): Likely benign (0 of 4 stars; one submission).

Conditions:
KCNH7-related disorder. Also called: KCNH7-related condition.

Allele frequency attached by ClinVar (database versions not stated): gnomAD 0.00001; gnomAD exomes 0.00001; ExAC 0.00002.
gnomAD v4.1: 16 of 1,612,186 alleles (0.00099%); highest among the groups gnomAD compares: Admixed American, 0.005%; no homozygotes.

Submission:

PreventionGenetics, part of Exact Sciences
Classification: Likely benign for KCNH7-related condition. Last evaluated: 2019-06-17. Review status: no assertion criteria provided. Collection method: clinical testing. Allele origin: germline.
Comment: This variant is classified as likely benign based on ACMG/AMP sequence variant interpretation guidelines (Richards et al. 2015 PMID: 25741868, with internal and published modifications).